The following is an entry in ClinVar:

ClinVar aggregate classification (germline): Pathogenic. Review status: criteria provided, multiple submitters, no conflicts (2 of 4 stars). 4 submissions from 4 submitters: Pathogenic (3). 1 of the submissions does not count toward it. Last evaluated 2024-05-14.

Conditions:
Ornithine aminotransferase deficiency (GACR). Also called: HYPERORNITHINEMIA WITH GYRATE ATROPHY OF CHOROID AND RETINA; OAT DEFICIENCY; Ornithine ketoacid aminotransferase deficiency; Gyrate atrophy; Gyrate atrophy of choroid and retina; Girate atrophy of the retina. Identifiers: Orphanet 414, MedGen C0018425, MONDO:0009796, OMIM 258870.

Submissions (4):

Myriad Genetics, Inc.
Classification: Pathogenic for Ornithine aminotransferase deficiency. Last evaluated: 2024-05-14. Review status: criteria provided, single submitter. Criteria: Myriad Autosomal Dominant, Autosomal Recessive and X-Linked Classification Criteria (2023). Collection method: clinical testing. Allele origin: unknown.
Comment: NM_000274.3(OAT):c.952delG(E318Sfs*11) is expected to be pathogenic in the context of ornithine aminotransferase deficiency. This variant is predicted to lead to an abnormal or absent protein product due to the creation of a premature termination codon in OAT, a gene where loss-of-function variants are known to be pathogenic. Please note: this variant was assessed in the context of healthy population screening.

Baylor Genetics
Classification: Pathogenic for Ornithine aminotransferase deficiency. Last evaluated: 2023-04-17. Review status: criteria provided, single submitter. Criteria: ACMG Guidelines, 2015. Collection method: clinical testing. Allele origin: unknown.

Labcorp Genetics (formerly Invitae), Labcorp
Classification: Pathogenic for Ornithine aminotransferase deficiency. Last evaluated: 2021-10-29. Review status: criteria provided, single submitter. Criteria: Invitae Variant Classification Sherloc (09022015). Collection method: clinical testing. Allele origin: germline.
Comment: This sequence change creates a premature translational stop signal (p.Glu318Serfs*11) in the OAT gene. It is expected to result in an absent or disrupted protein product. Loss-of-function variants in OAT are known to be pathogenic (PMID: 1737786, 23076989). This variant is not present in population databases (gnomAD no frequency). This premature translational stop signal has been observed in individual(s) with OAT-related conditions (PMID: 1737786). ClinVar contains an entry for this variant (Variation ID: 56139). For these reasons, this variant has been classified as Pathogenic.

Juha Muilu Group; Institute for Molecular Medicine Finland (FIMM)
Classification: Likely pathogenic for Ornithine aminotransferase deficiency. Review status: no assertion criteria provided. Collection method: not provided. Allele origin: unknown. Not counted in ClinVar's aggregate classification.
Comment: FinDis database variant: This variant was not found or characterized by our laboratory, data were collected from public sources: see reference
ClinVar note: Converted during submission from probable-pathogenic to Likely pathogenic.

Literature cited by the submitters: PubMed 1737786 (cited by Labcorp Genetics (formerly Invitae), Labcorp); PubMed 23076989 (cited by Labcorp Genetics (formerly Invitae), Labcorp).

NM_000274.4(OAT):c.952del (p.Glu318fs)

Gene: OAT (ornithine aminotransferase; minus strand). Cytogenetic location: 10q26.13.
Variant type: Deletion.
Coding change: c.952del on transcript NM_000274.4 (MANE Select); coding-DNA position 952, one base deleted (G; older notation c.952delG).
Protein change: p.Glu318fs; shifts the reading frame from glutamic acid 318.
Molecular consequence: frameshift variant.
Genome position (GRCh38, 1-based): chr10:124,401,788, C deleted on the plus strand (G on the coding strand, the reverse complement: OAT is on the minus strand); the first of 4 consecutive C bases (chr10:124,401,788-124,401,791); deleting any one gives the same sequence. VCF-style (leftmost placement, unchanged base first): chr10-124401787-TC-T. GRCh37 (hg19) VCF-style: chr10-126090356-TC-T.
Other names: c.538del, p.Glu180fs (NM_001171814.2); c.952del, p.Glu318fs (NM_001322965.2, NM_001322966.2, NM_001322967.2 and 3 more transcripts); c.952delG (NM_000274.3); c.631del, p.Glu211fs (NM_001322971.2); c.352del, p.Glu118fs (NM_001322974.2); short protein forms E180fs, E211fs, E118fs, E318fs.
Identifiers: ClinVar variation 56139 (VCV000056139.9), dbSNP rs386833620, ClinGen allele CA144185.